The following is an entry in ClinVar:

NM_020822.3(KCNT1):c.480C>T (p.Ser160=)

Gene: KCNT1 (potassium sodium-activated channel subfamily T member 1; plus strand). Cytogenetic location: 9q34.3.
Variant type: single nucleotide variant.
Coding change: c.480C>T on transcript NM_020822.3 (MANE Select); coding-DNA position 480, C replaced by T.
Protein change: p.Ser160=; no amino-acid change (serine 160 retained).
Molecular consequence: synonymous variant.
Genome position (GRCh38, 1-based): chr9:135,753,982, C>T. VCF-style: chr9-135753982-C-T. GRCh37 (hg19) VCF-style: chr9-138645828-C-T.
Other names: c.336C>T, p.Ser112= (NM_001272003.2).
Identifiers: ClinVar variation 388988 (VCV000388988.30), dbSNP rs374042509, ClinGen allele CA5326452.
Genomic context (GRCh38, chr9:135,753,982, plus strand): 5'-TGTGTCTCTCCACAGCTGGGGCTGCCCAAAGCAGAACTACTCCTTCAATGACTCGTCCTC[C>T]GAGATCAACTGGTGAGTCCACACTCCAGCTCCCAATAGCCAGGCGCTCAGAGGCCTGGGA-3'
Protein context (NP_065873.2, residues 150-170): KQNYSFNDSS[Ser160=]EINWAPILWV

ClinVar aggregate classification (germline): Likely benign. Review status: criteria provided, multiple submitters, no conflicts (2 of 4 stars). 6 submissions from 5 submitters: Likely benign (6). Last evaluated 2025-11-10.

Conditions:
Developmental and epileptic encephalopathy, 14 (DEE14). Also called: Early infantile epileptic encephalopathy 14. Identifiers: Orphanet 293181, MedGen C3554195, MONDO:0013989, OMIM 614959.
Autosomal dominant nocturnal frontal lobe epilepsy 5. Also called: CILIARY DYSKINESIA, PRIMARY, 28, WITHOUT SITUS INVERSUS; CILIARY DYSKINESIA, PRIMARY, 28, WITH SITUS INVERSUS; KCNT1-Related Epilepsy; Epilepsy, nocturnal frontal lobe, 5. Identifiers: Orphanet 98784, MedGen C3554306, MONDO:0014002, OMIM 615005.

Allele frequency attached by ClinVar (database versions not stated): gnomAD 0.00007; ESP Exome Variant Server 0.00008; gnomAD exomes 0.00010; TOPMed 0.00011; ExAC 0.00018.
gnomAD v4.1: 95 of 1,613,960 alleles (0.0059%); highest among the groups gnomAD compares: African/African-American, 0.0093%; no homozygotes.

Submissions (6):

Labcorp Genetics (formerly Invitae), Labcorp
Classification: Likely benign for Autosomal dominant nocturnal frontal lobe epilepsy 5; Developmental and epileptic encephalopathy, 14. Last evaluated: 2025-11-10. Review status: criteria provided, single submitter. Criteria: Invitae Variant Classification Sherloc (09022015). Collection method: clinical testing. Allele origin: germline.

CeGaT Center for Human Genetics Tuebingen
Classification: Likely benign. Last evaluated: 2024-11-01. Review status: criteria provided, single submitter. Criteria: CeGaT Center For Human Genetics Tuebingen Variant Classification Criteria Version 2. Collection method: clinical testing. Allele origin: germline. Affected: yes. Observed: 1 variant allele.
Comment: KCNT1: BP4, BP7

Blueprint Genetics
Classification: Likely benign. Last evaluated: 2024-10-17. Review status: criteria provided, single submitter. Criteria: ACMG Guidelines, 2015. Collection method: clinical testing. Allele origin: germline.

Genome-Nilou Lab
Classification: Likely benign for Developmental and epileptic encephalopathy, 14. Last evaluated: 2022-03-15. Review status: criteria provided, single submitter. Criteria: ACMG Guidelines, 2015. Collection method: clinical testing. Allele origin: germline. Affected: no.

Genome-Nilou Lab
Classification: Likely benign for Autosomal dominant nocturnal frontal lobe epilepsy 5. Last evaluated: 2022-03-15. Review status: criteria provided, single submitter. Criteria: ACMG Guidelines, 2015. Collection method: clinical testing. Allele origin: germline. Affected: no.

GeneDx
Classification: Likely benign. Last evaluated: 2019-11-06. Review status: criteria provided, single submitter. Criteria: GeneDx Variant Classification Process June 2021. Collection method: clinical testing. Allele origin: germline. Affected: yes.